The following is an entry in ClinVar:

NM_005612.5(REST):c.124G>A (p.Ala42Thr)

Gene: REST (RE1 silencing transcription factor; plus strand). Cytogenetic location: 4q12.
Variant type: single nucleotide variant.
Coding change: c.124G>A on transcript NM_005612.5 (MANE Select); coding-DNA position 124, G replaced by A.
Protein change: p.Ala42Thr; replaces alanine 42 with threonine.
Molecular consequence: missense variant.
Genome position (GRCh38, 1-based): chr4:56,910,762, G>A. VCF-style: chr4-56910762-G-A. GRCh37 (hg19) VCF-style: chr4-57776928-G-A.
Other names: c.124G>A, p.Ala42Thr (NM_001193508.2, NM_001363453.3); short protein forms A42T.
Identifiers: ClinVar variation 1365717 (VCV001365717.8), dbSNP rs1388661460, ClinGen allele CA357002837.

ClinVar aggregate classification (germline): Uncertain significance (1 of 4 stars; one submission).

Allele frequency attached by ClinVar (database versions not stated): gnomAD 0.00001; gnomAD exomes 0.00001; TOPMed 0.00001.
gnomAD v4.1: 10 of 1,614,070 alleles (0.00062%); highest among the groups gnomAD compares: Non-Finnish European, 0.00085%; no homozygotes.

Submission:

Labcorp Genetics (formerly Invitae), Labcorp
Classification: Uncertain significance. Last evaluated: 2021-07-15. Review status: criteria provided, single submitter. Criteria: Invitae Variant Classification Sherloc (09022015). Collection method: clinical testing. Allele origin: germline.
Comment: In summary, the available evidence is currently insufficient to determine the role of this variant in disease. Therefore, it has been classified as a Variant of Uncertain Significance. This sequence change replaces alanine with threonine at codon 42 of the REST protein (p.Ala42Thr). The alanine residue is highly conserved and there is a small physicochemical difference between alanine and threonine. This variant is not present in population databases (ExAC no frequency). This variant has not been reported in the literature in individuals affected with REST-related conditions. Algorithms developed to predict the effect of missense changes on protein structure and function are either unavailable or do not agree on the potential impact of this missense change (SIFT: "Deleterious"; PolyPhen-2: "Probably Damaging"; Align-GVGD: "Class C0").